The following is an entry in ClinVar:

NM_000548.5(TSC2):c.3842C>T (p.Ser1281Phe)

Gene: TSC2 (TSC complex subunit 2; plus strand). Cytogenetic location: 16p13.3.
Variant type: single nucleotide variant.
Coding change: c.3842C>T on transcript NM_000548.5 (MANE Select); coding-DNA position 3842, C replaced by T.
Protein change: p.Ser1281Phe; replaces serine 1281 with phenylalanine.
Molecular consequence: missense variant. On other transcripts: intron variant (33), non-coding transcript variant (1).
Genome position (GRCh38, 1-based): chr16:2,082,463, C>T. VCF-style: chr16-2082463-C-T. GRCh37 (hg19) VCF-style: chr16-2132464-C-T.
Other names: c.2341+665C>T (NM_001406693.1, NM_001406692.1, NM_001406694.1); c.3775+665C>T (NM_001406667.1); c.3772+665C>T (NM_001406668.1); c.3214+665C>T (NM_001406683.1, NM_001406682.1); c.3082+665C>T (NM_001406687.1, NM_001406688.1); c.2470+665C>T (NM_001406689.1); c.2338+665C>T (NM_001406697.1, NM_001406695.1, NM_001406696.1); c.2080+665C>T (NM_001406698.1); and 25 more; short protein forms S1081F, S1237F, S1280F, S1281F, S789F, S790F, S1037F, S1238F.
Identifiers: ClinVar variation 3974680 (VCV003974680.1).

ClinVar aggregate classification (germline): Uncertain significance (1 of 4 stars; one submission).

Conditions:
Hereditary cancer-predisposing syndrome. Also called: Tumor predisposition; Hereditary neoplastic syndrome; Hereditary Cancer Syndrome; Neoplastic Syndromes, Hereditary. Identifiers: Orphanet 140162, MedGen C0027672, MeSH D009386, MONDO:0015356.

Submission:

Ambry Genetics
Classification: Uncertain significance for Hereditary cancer-predisposing syndrome. Last evaluated: 2025-05-17. Review status: criteria provided, single submitter. Criteria: Ambry Variant Classification Scheme 2023. Collection method: clinical testing. Allele origin: germline.
Comment: The p.S1281F variant (also known as c.3842C>T), located in coding exon 31 of the TSC2 gene, results from a C to T substitution at nucleotide position 3842. The serine at codon 1281 is replaced by phenylalanine, an amino acid with highly dissimilar properties. This amino acid position is conserved. In addition, the in silico prediction for this alteration is inconclusive. Based on the available evidence, the clinical significance of this variant remains unclear.